The following is an entry in ClinVar:

ClinVar aggregate classification (germline): Uncertain significance. Review status: criteria provided, multiple submitters, no conflicts (2 of 4 stars). 2 submissions from 2 submitters: Uncertain significance (2). Last evaluated 2025-08-24.

Conditions:
Inborn genetic diseases. Identifiers: MedGen C0950123, MeSH D030342.

Submissions (2):

Ambry Genetics
Classification: Uncertain significance for Inborn genetic diseases. Last evaluated: 2025-08-24. Review status: criteria provided, single submitter. Criteria: Ambry Variant Classification Scheme 2023. Collection method: clinical testing. Allele origin: germline.

GeneDx
Classification: Uncertain significance. Last evaluated: 2024-09-07. Review status: criteria provided, single submitter. Criteria: GeneDx Variant Classification Process June 2021. Collection method: clinical testing. Allele origin: germline. Affected: yes.
Comment: In silico analysis supports that this missense variant has a deleterious effect on protein structure/function; Has not been previously published as pathogenic or benign to our knowledge

NM_001372.4(DNAH9):c.2054G>A (p.Arg685His)

Gene: DNAH9 (dynein axonemal heavy chain 9; plus strand). Cytogenetic location: 17p12.
Variant type: single nucleotide variant.
Coding change: c.2054G>A on transcript NM_001372.4 (MANE Select); coding-DNA position 2054, G replaced by A.
Protein change: p.Arg685His; replaces arginine 685 with histidine.
Molecular consequence: missense variant.
Genome position (GRCh38, 1-based): chr17:11,647,155, G>A. VCF-style: chr17-11647155-G-A. GRCh37 (hg19) VCF-style: chr17-11550472-G-A.
Other names: short protein forms R685H.
Identifiers: ClinVar variation 3767398 (VCV003767398.2).
Genomic context (GRCh38, chr17:11,647,155, plus strand): 5'-ATTGGTGCCGGACAGTATCAGAGAAGTCACAGTACAATCTTTCCCAACCACTTCTAAAAC[G>A]TGACCCAGAGACGAAGGAGATCACTATCAACTTTAACCCACAGGTCAGTTGGCTGACAGT-3'
Protein context (NP_001363.2, residues 675-695): QYNLSQPLLK[Arg685His]DPETKEITIN